The following is an entry in ClinVar:

NM_003036.4(SKI):c.2161G>T (p.Glu721Ter)

Gene: SKI (SKI proto-oncogene; plus strand). Cytogenetic location: 1p36.32.
Variant type: single nucleotide variant.
Coding change: c.2161G>T on transcript NM_003036.4 (MANE Select); coding-DNA position 2161, G replaced by T.
Protein change: p.Glu721Ter; replaces glutamic acid 721 with a stop codon.
Molecular consequence: nonsense.
Genome position (GRCh38, 1-based): chr1:2,306,739, G>T. VCF-style: chr1-2306739-G-T. GRCh37 (hg19) VCF-style: chr1-2238178-G-T.
Other names: short protein forms E721*.
Identifiers: ClinVar variation 4690752 (VCV004690752.1).

ClinVar aggregate classification (germline): Uncertain significance (1 of 4 stars; one submission).

Conditions:
Shprintzen-Goldberg syndrome (SGS). Also called: Marfanoid disorder with craniosynostosis type 1; Marfanoid craniosynostosis syndrome; Shprintzen-Goldberg marfanoid syndrome; SHPRINTZEN-GOLDBERG CRANIOSYNOSTOSIS SYNDROME; CRANIOSYNOSTOSIS WITH ARACHNODACTYLY AND ABDOMINAL HERNIAS. Identifiers: Orphanet 2462, MedGen C1321551, MONDO:0008426, OMIM 182212.

gnomAD v4.1: 1 of 1,529,640 alleles (0.000065%); highest among the groups gnomAD compares: African/African-American, 0.0014%; no homozygotes.

Submission:

Labcorp Genetics (formerly Invitae), Labcorp
Classification: Uncertain significance for Shprintzen-Goldberg syndrome. Last evaluated: 2025-09-28. Review status: criteria provided, single submitter. Criteria: Invitae Variant Classification Sherloc (09022015). Collection method: clinical testing. Allele origin: germline.
Comment: This sequence change creates a premature translational stop signal (p.Glu721*) in the SKI gene. While this is not anticipated to result in nonsense mediated decay, it is expected to disrupt the last 8 amino acid(s) of the SKI protein. This variant is not present in population databases (gnomAD no frequency). This variant has not been reported in the literature in individuals affected with SKI-related conditions. Experimental studies and prediction algorithms are not available or were not evaluated, and the functional significance of this variant is currently unknown. In summary, the available evidence is currently insufficient to determine the role of this variant in disease. Therefore, it has been classified as a Variant of Uncertain Significance.